The following is an entry in ClinVar:

ClinVar aggregate classification (germline): Likely benign. Review status: criteria provided, multiple submitters, no conflicts (2 of 4 stars). 2 submissions from 2 submitters: Likely benign (2). Last evaluated 2026-01-21.

Conditions:
Glycogen storage disease, type VII (GSD7). Also called: TARUI DISEASE; GSD VII; MUSCLE PHOSPHOFRUCTOKINASE DEFICIENCY; PFKM DEFICIENCY. Identifiers: Orphanet 371, MedGen C0017926, MONDO:0009295, OMIM 232800.

Allele frequency attached by ClinVar (database versions not stated): gnomAD 0.00003 and 0.00004; gnomAD exomes 0.00003 and 0.00002; TOPMed 0.00006; ExAC 0.00001.

Submissions (2):

Labcorp Genetics (formerly Invitae), Labcorp
Classification: Likely benign for Glycogen storage disease, type VII. Last evaluated: 2026-01-21. Review status: criteria provided, single submitter. Criteria: Invitae Variant Classification Sherloc (09022015). Collection method: clinical testing. Allele origin: germline.

CeGaT Center for Human Genetics Tuebingen
Classification: Likely benign. Last evaluated: 2024-05-01. Review status: criteria provided, single submitter. Criteria: CeGaT Center For Human Genetics Tuebingen Variant Classification Criteria Version 2. Collection method: clinical testing. Allele origin: germline. Affected: yes. Observed: 1 variant allele.
Comment: PFKM: BP4, BP7

NM_000289.6(PFKM):c.1956C>T (p.Phe652=)

Gene: PFKM (phosphofructokinase, muscle; plus strand). Cytogenetic location: 12q13.11.
Variant type: single nucleotide variant.
Coding change: c.1956C>T on transcript NM_000289.6 (MANE Select); coding-DNA position 1956, C replaced by T.
Protein change: p.Phe652=; no amino-acid change (phenylalanine 652 retained).
Molecular consequence: synonymous variant. On other transcripts: non-coding transcript variant (6).
Genome position (GRCh38, 1-based): chr12:48,144,121, C>T. VCF-style: chr12-48144121-C-T. GRCh37 (hg19) VCF-style: chr12-48537904-C-T.
Other names: c.2169C>T, p.Phe723= (NM_001166686.2, NM_001354737.1, NM_001354738.1 and 1 more transcripts); c.1956C>T, p.Phe652= (NM_001166687.2, NM_001166688.2, NM_001354742.2 and 2 more transcripts); c.2265C>T, p.Phe755= (NM_001354735.1, NM_001354736.1); c.2100C>T, p.Phe700= (NM_001354740.1); c.1980C>T, p.Phe660= (NM_001354741.2); c.1869C>T, p.Phe623= (NM_001354745.2); c.1830C>T, p.Phe610= (NM_001354746.2); c.1806C>T, p.Phe602= (NM_001354747.2, NM_001354748.2); and 1 more.
Identifiers: ClinVar variation 1096409 (VCV001096409.28), dbSNP rs771733776, ClinGen allele CA6537479.